The following is an entry in ClinVar:

NM_001166108.2(PALLD):c.2728A>G (p.Arg910Gly)

Genes: CBR4 (carbonyl reductase 4; minus strand), PALLD (palladin, cytoskeletal associated protein; plus strand). Cytogenetic location: 4q32.3.
Variant type: single nucleotide variant.
Coding change: c.2728A>G on transcript NM_001166108.2 (MANE Select); coding-DNA position 2728, A replaced by G.
Protein change: p.Arg910Gly; replaces arginine 910 with glycine.
Molecular consequence: missense variant.
Genome position (GRCh38, 1-based): chr4:168,915,905, A>G. VCF-style: chr4-168915905-A-G. GRCh37 (hg19) VCF-style: chr4-169837056-A-G.
Other names: c.1531A>G, p.Arg511Gly (NM_001166109.2); c.1216A>G, p.Arg406Gly (NM_001166110.2); c.556A>G, p.Arg186Gly (NM_001367567.1, NM_001367569.1); c.607A>G, p.Arg203Gly (NM_001367568.1, NM_001367570.1); c.2677A>G, p.Arg893Gly (NM_016081.4); short protein forms R186G, R511G, R910G, R406G, R893G, R203G.
Identifiers: ClinVar variation 1794613 (VCV001794613.2), dbSNP rs2534077731, ClinGen allele CA358706319.
Genomic context (GRCh38, chr4:168,915,905, plus strand): 5'-AGTAACTACTATCTATATTTCTATCTATCTGTCATCTTTCTTGTTTCAAGGCCTCGTTCT[A>G]GATCAAGGGACAGTGGAGACGAAAATGAACCAATTCAGGAGCGATTCTTCAGACCTCACT-3'
Protein context (NP_001159580.1, residues 900-920): GHPHVRRPRS[Arg910Gly]SRDSGDENEP

ClinVar aggregate classification (germline): Uncertain significance (1 of 4 stars; one submission).

Allele frequency attached by ClinVar (database versions not stated): gnomAD exomes below 0.00001.
gnomAD v4.1: 2 of 1,612,892 alleles (0.00012%); highest among the groups gnomAD compares: Non-Finnish European, 0.00017%; no homozygotes.

Submission:

Ambry Genetics
Classification: Uncertain significance. Last evaluated: 2022-07-30. Review status: criteria provided, single submitter. Criteria: Ambry Variant Classification Scheme 2023. Collection method: clinical testing. Allele origin: germline.
Comment: The p.R893G variant (also known as c.2677A>G), located in coding exon 15 of the PALLD gene, results from an A to G substitution at nucleotide position 2677. The arginine at codon 893 is replaced by glycine, an amino acid with dissimilar properties. This amino acid position is conserved. In addition, this alteration is predicted to be tolerated by in silico analysis. Since supporting evidence is limited at this time, the clinical significance of this alteration remains unclear.